The following is an entry in ClinVar:

NM_001330677.2(TBX15):c.1325G>A (p.Arg442Lys)

Gene: TBX15 (T-box transcription factor 15; minus strand). Cytogenetic location: 1p12.
Variant type: single nucleotide variant.
Coding change: c.1325G>A on transcript NM_001330677.2 (MANE Select); coding-DNA position 1325, G replaced by A.
Protein change: p.Arg442Lys; replaces arginine 442 with lysine.
Molecular consequence: missense variant.
Genome position (GRCh38, 1-based): chr1:118,885,216, C>T on the plus strand (G>A on the coding strand, the complement: TBX15 is on the minus strand). VCF-style: chr1-118885216-C-T. GRCh37 (hg19) VCF-style: chr1-119427839-C-T.
Other names: c.1007G>A, p.Arg336Lys (NM_152380.3); c.1007G>A (NM_152380.2); short protein forms R336K, R442K.
Identifiers: ClinVar variation 289694 (VCV000289694.20), dbSNP rs144291418, ClinGen allele CA1034865.

ClinVar aggregate classification (germline): Conflicting classifications of pathogenicity. Review status: criteria provided, conflicting classifications (1 of 4 stars). 7 submissions from 7 submitters: Uncertain significance (2); Likely benign (3). 2 of the submissions do not count toward it. Last evaluated 2025-11-27.

Conditions:
TBX15-related disorder. Also called: TBX15-related condition.
Pelviscapular dysplasia. Identifiers: Orphanet 93333, MedGen C1850040, MONDO:0009845, OMIM 260660.

Allele frequency attached by ClinVar (database versions not stated): ESP Exome Variant Server 0.00046; TOPMed 0.00057; 1000 Genomes Project 30x 0.00062; gnomAD exomes 0.00062 and 0.00092; gnomAD 0.00063 and 0.00066; 1000 Genomes Project 0.00080; ExAC 0.00091.
gnomAD v4.1: 1,042 of 1,614,134 alleles (0.065%); highest among the groups gnomAD compares: Middle Eastern, 0.49%; 3 homozygotes.

Submissions (7):

Labcorp Genetics (formerly Invitae), Labcorp
Classification: Likely benign. Last evaluated: 2025-11-27. Review status: criteria provided, single submitter. Criteria: Invitae Variant Classification Sherloc (09022015). Collection method: clinical testing. Allele origin: germline.

Blueprint Genetics
Classification: Likely benign. Last evaluated: 2024-10-17. Review status: criteria provided, single submitter. Criteria: ACMG Guidelines, 2015. Collection method: clinical testing. Allele origin: germline.

Revvity Omics, Revvity
Classification: Likely benign for Pelviscapular dysplasia. Last evaluated: 2023-10-30. Review status: criteria provided, single submitter. Criteria: ACMG Guidelines, 2015. Collection method: clinical testing. Allele origin: germline.

Knight Diagnostic Laboratories, Oregon Health and Sciences University
Classification: Uncertain significance for Cousin syndrome. Last evaluated: 2019-03-18. Review status: criteria provided, single submitter. Criteria: ACMG Guidelines, 2015. Collection method: clinical testing. Allele origin: germline. Observed: 1 variant allele.

Eurofins Ntd Llc (ga)
Classification: Uncertain significance. Last evaluated: 2016-09-07. Review status: criteria provided, single submitter. Criteria: EGL Classification Definitions 2015. Collection method: clinical testing. Allele origin: germline. Observed: 1 variant allele, 1 heterozygote.

Genetic Services Laboratory, University of Chicago
Classification: Uncertain significance. Last evaluated: 2022-08-01. Review status: no assertion criteria provided. Collection method: clinical testing. Allele origin: germline. Affected: no. Not counted in ClinVar's aggregate classification.
Comment: DNA sequence analysis of the TBX15 gene demonstrated a sequence change, c.1007G>A, in exon 8 that results in an amino acid change, p.Arg336Lys. This sequence change does not appear to have been previously described in individuals with TBX15-related disorders. This sequence change has been described in the gnomAD database with a frequency of 0.53% in the Ashkenazi Jewish subpopulation, and 0.085% in the overall population (dbSNP rs144291418). The p.Arg336Lys change affects a highly conserved amino acid residue located in a domain of the TBX15 protein that is not known to be functional. The p.Arg336Lys substitution appears to be deleterious using several in-silico pathogenicity prediction tools (SIFT, PolyPhen2, Align GVGD, REVEL).. Due to insufficient evidences and the lack of functional studies, the clinical significance of the p.Arg336Lys change remains unknown at this time.

PreventionGenetics, part of Exact Sciences
Classification: Likely benign for TBX15-related condition. Last evaluated: 2019-10-15. Review status: no assertion criteria provided. Collection method: clinical testing. Allele origin: germline. Not counted in ClinVar's aggregate classification.
Comment: This variant is classified as likely benign based on ACMG/AMP sequence variant interpretation guidelines (Richards et al. 2015 PMID: 25741868, with internal and published modifications).